The following is an entry in ClinVar:

ClinVar aggregate classification (germline): Pathogenic/Likely pathogenic. Review status: criteria provided, multiple submitters, no conflicts (2 of 4 stars). 4 submissions from 4 submitters: Pathogenic (2); Likely pathogenic (1). 1 of the submissions does not count toward it. Last evaluated 2025-05-29.

Conditions:
Usher syndrome type 1 (USH1). Also called: RETINITIS PIGMENTOSA AND CONGENITAL DEAFNESS. Identifiers: Orphanet 231169, Orphanet 886, MedGen C1568247, MONDO:0010168, OMIM 276900.
Autosomal recessive nonsyndromic hearing loss 2. Also called: DEAFNESS, AUTOSOMAL RECESSIVE 2; NEUROSENSORY NONSYNDROMIC RECESSIVE DEAFNESS 2. Identifiers: Orphanet 90636, MedGen C1838701, MONDO:0010807, OMIM 600060.
Usher syndrome type 1B (USH1B). Also called: Usher syndrome type IB. Identifiers: MedGen C1848638, MONDO:0700087.

Allele frequency attached by ClinVar (database versions not stated): TOPMed below 0.00001.

Submissions (4):

Natera, Inc.
Classification: Pathogenic for Usher syndrome type 1B. Last evaluated: 2025-05-29. Review status: criteria provided, single submitter. Criteria: Natera Variant Classification Schema (03/2026). Collection method: clinical testing. Allele origin: germline.
Comment: The c.4972C>T variant in MYO7A is a nonsense variant predicted to introduce a stop codon at amino acid 1658. This variant is expected to result in nonsense mediated decay, truncation, or a dysfunctional protein product. This variant is rare in the general population with a frequency below the threshold expected for the associated phenotype(s). This variant has been observed in one or more individuals affected with the associated recessive disease, as either homozygous or compound heterozygous with a second variant (PMID: 39560289, 34416374). Given the available evidence, this variant is classified as Pathogenic.

Labcorp Genetics (formerly Invitae), Labcorp
Classification: Pathogenic. Last evaluated: 2025-03-13. Review status: criteria provided, single submitter. Criteria: Invitae Variant Classification Sherloc (09022015). Collection method: clinical testing. Allele origin: germline.
Comment: This sequence change creates a premature translational stop signal (p.Gln1658*) in the MYO7A gene. It is expected to result in an absent or disrupted protein product. Loss-of-function variants in MYO7A are known to be pathogenic (PMID: 8900236, 25404053). This variant is not present in population databases (gnomAD no frequency). This variant has not been reported in the literature in individuals affected with MYO7A-related conditions. ClinVar contains an entry for this variant (Variation ID: 1185084). For these reasons, this variant has been classified as Pathogenic.

Myriad Genetics, Inc.
Classification: Likely pathogenic for Usher syndrome type 1. Last evaluated: 2021-12-03. Review status: criteria provided, single submitter. Criteria: Myriad Women's Health Autosomal Recessive and X-Linked Classification Criteria (2021). Collection method: clinical testing. Allele origin: unknown.
Comment: NM_000260.3(MYO7A):c.4972C>T(Q1658*) is expected to be pathogenic in the context of MYO7A-related disorders. This variant is predicted to lead to an abnormal or absent protein product due to the creation of a premature termination codon in MYO7A, a gene where loss-of-function variants are known to be pathogenic. Please note: this variant was assessed in the context of healthy population screening.

WangQJ Lab, Chinese People's Liberation Army General Hospital
Classification: Pathogenic for Autosomal recessive nonsyndromic hearing loss 2. Last evaluated: 2021-07-01. Review status: no assertion criteria provided. Collection method: clinical testing. Allele origin: maternal. Affected: yes. Not counted in ClinVar's aggregate classification.

Literature cited by the submitters: PubMed 39560289 (cited by Natera, Inc.); PubMed 34416374 (cited by Natera, Inc.); PubMed 8900236 (cited by Labcorp Genetics (formerly Invitae), Labcorp); PubMed 25404053 (cited by Labcorp Genetics (formerly Invitae), Labcorp).

NM_000260.4(MYO7A):c.4972C>T (p.Gln1658Ter)

Gene: MYO7A (myosin VIIA; plus strand). Cytogenetic location: 11q13.5.
Variant type: single nucleotide variant.
Coding change: c.4972C>T on transcript NM_000260.4 (MANE Select); coding-DNA position 4972, C replaced by T.
Protein change: p.Gln1658Ter; replaces glutamine 1658 with a stop codon.
Molecular consequence: nonsense.
Genome position (GRCh38, 1-based): chr11:77,201,567, C>T. VCF-style: chr11-77201567-C-T. GRCh37 (hg19) VCF-style: chr11-76912612-C-T.
Other names: c.4858C>T, p.Gln1620Ter (NM_001127180.2); c.4825C>T, p.Gln1609Ter (NM_001369365.1); c.4972C>T (NM_000260.3); short protein forms Q1609*, Q1620*, Q1658*.
Identifiers: ClinVar variation 1185084 (VCV001185084.10), dbSNP rs1401619267, ClinGen allele CA381951352.